The following is an entry in ClinVar:

ClinVar aggregate classification (germline): Conflicting classifications of pathogenicity. Review status: criteria provided, conflicting classifications (1 of 4 stars). 2 submissions from 2 submitters: Uncertain significance (1); Likely benign (1). Last evaluated 2024-06-13.

Conditions:
Familial cancer of breast. Also called: Hereditary breast cancer; BREAST CANCER, FAMILIAL; hereditary breast carcinoma. Identifiers: Orphanet 227535, MedGen C0346153, MONDO:0016419, OMIM 114480. Disease mechanism: loss of function.
Ataxia-telangiectasia syndrome (AT). Also called: LOUIS-BAR SYNDROME; Cerebello-oculocutaneous telangiectasia; Immunodeficiency with ataxia telangiectasia; Ataxia-telangiectasia, complementation group D; AT, COMPLEMENTATION GROUP C; Ataxia-telangiectasia, complementation group E. Identifiers: Orphanet 100, MedGen C0004135, MONDO:0008840, OMIM 208900.

Allele frequency attached by ClinVar (database versions not stated): gnomAD exomes below 0.00001; ExAC 0.00001; gnomAD 0.00001; 1000 Genomes Project 0.00020; 1000 Genomes Project 30x 0.00016.
gnomAD v4.1: 1 of 1,613,094 alleles (0.000062%); highest among the groups gnomAD compares: East Asian, 0.0022%; no homozygotes.

Submissions (2):

Myriad Genetics, Inc.
Classification: Likely benign for Familial cancer of breast. Last evaluated: 2024-06-13. Review status: criteria provided, single submitter. Criteria: Myriad Autosomal Dominant, Autosomal Recessive and X-Linked Classification Criteria (2023). Collection method: clinical testing. Allele origin: unknown.
Comment: This variant is considered likely benign. This variant is intronic and is not expected to impact mRNA splicing.

Labcorp Genetics (formerly Invitae), Labcorp
Classification: Uncertain significance for Ataxia-telangiectasia syndrome. Last evaluated: 2016-11-28. Review status: criteria provided, single submitter. Criteria: Invitae Variant Classification Sherloc (09022015). Collection method: clinical testing. Allele origin: germline.
Comment: Algorithms developed to predict the effect of nucleotide changes on RNA splicing suggest that this intronic variant may alter RNA splicing, but this prediction has not been confirmed by published transcriptional studies. This variant is present in population databases (rs574836628, ExAC 0.01%) but has not been reported in the literature in individuals with a ATM-related disease. This sequence change falls in intron 49 of the ATM gene. It does not directly change the encoded amino acid sequence of the ATM protein. In summary, this is a rare intronic change with uncertain impact on splicing. It has been classified as a Variant of Uncertain Significance.

NM_000051.4(ATM):c.7308-6T>C

Genes: ATM (ATM serine/threonine kinase; plus strand), C11orf65 (chromosome 11 open reading frame 65; minus strand). Cytogenetic location: 11q22.3.
Variant type: single nucleotide variant.
Coding change: c.7308-6T>C on transcript NM_000051.4 (MANE Select); 6 bases into the intron before coding-DNA position 7308, T replaced by C.
Molecular consequence: intron variant.
Genome position (GRCh38, 1-based): chr11:108,330,208, T>C. VCF-style: chr11-108330208-T-C. GRCh37 (hg19) VCF-style: chr11-108200935-T-C.
Other names: c.7308-6T>C (NM_001351834.2); c.641-21137A>G (NM_001330368.2); c.*38+5012A>G (NM_001351110.2).
Identifiers: ClinVar variation 407616 (VCV000407616.10), dbSNP rs574836628, ClinGen allele CA6266095.